The following is an entry in ClinVar:

ClinVar aggregate classification (germline): Uncertain significance (1 of 4 stars; one submission).

Allele frequency attached by ClinVar (database versions not stated): gnomAD exomes below 0.00001.
gnomAD v4.1: 3 of 1,613,904 alleles (0.00019%); highest among the groups gnomAD compares: Non-Finnish European, 0.00025%; no homozygotes.

Submission:

Ambry Genetics
Classification: Uncertain significance. Last evaluated: 2024-11-01. Review status: criteria provided, single submitter. Criteria: Ambry Variant Classification Scheme 2023. Collection method: clinical testing. Allele origin: germline.
Comment: The p.P1798S variant (also known as c.5392C>T), located in coding exon 16 of the POLQ gene, results from a C to T substitution at nucleotide position 5392. The proline at codon 1798 is replaced by serine, an amino acid with similar properties. This amino acid position is conserved. In addition, this alteration is predicted to be tolerated by in silico analysis. Since supporting evidence is limited at this time, the clinical significance of this alteration remains unclear.

NM_199420.4(POLQ):c.5392C>T (p.Pro1798Ser)

Gene: POLQ (DNA polymerase theta; minus strand). Cytogenetic location: 3q13.33.
Variant type: single nucleotide variant.
Coding change: c.5392C>T on transcript NM_199420.4 (MANE Select); coding-DNA position 5392, C replaced by T.
Protein change: p.Pro1798Ser; replaces proline 1798 with serine.
Molecular consequence: missense variant.
Genome position (GRCh38, 1-based): chr3:121,487,539, G>A on the plus strand (C>T on the coding strand, the complement: POLQ is on the minus strand). VCF-style: chr3-121487539-G-A. GRCh37 (hg19) VCF-style: chr3-121206386-G-A.
Other names: short protein forms P1798S.
Identifiers: ClinVar variation 1747234 (VCV001747234.3), dbSNP rs2546784786, ClinGen allele CA354090303.